The following is an entry in ClinVar:

ClinVar aggregate classification (germline): Uncertain significance (1 of 4 stars; one submission).

Conditions:
Retinoblastoma (RB1). Also called: RETINOBLASTOMA, SOMATIC. Identifiers: Orphanet 790, MedGen C0035335, MeSH D012175, MONDO:0008380, OMIM 180200, HP:0009919. Disease mechanism: loss of function. Inheritance: Both sporadic and heritable forms are tested..

Allele frequency attached by ClinVar (database versions not stated): gnomAD exomes below 0.00001.
gnomAD v4.1: 1 of 1,611,234 alleles (0.000062%); highest among the groups gnomAD compares: Non-Finnish European, 0.000085%; no homozygotes.

Submission:

Labcorp Genetics (formerly Invitae), Labcorp
Classification: Uncertain significance for Retinoblastoma. Last evaluated: 2022-10-11. Review status: criteria provided, single submitter. Criteria: Invitae Variant Classification Sherloc (09022015). Collection method: clinical testing. Allele origin: germline.
Comment: This sequence change replaces aspartic acid, which is acidic and polar, with asparagine, which is neutral and polar, at codon 68 of the RB1 protein (p.Asp68Asn). This variant is not present in population databases (gnomAD no frequency). This variant has not been reported in the literature in individuals affected with RB1-related conditions. Advanced modeling of protein sequence and biophysical properties (such as structural, functional, and spatial information, amino acid conservation, physicochemical variation, residue mobility, and thermodynamic stability) performed at Invitae indicates that this missense variant is not expected to disrupt RB1 protein function. In summary, the available evidence is currently insufficient to determine the role of this variant in disease. Therefore, it has been classified as a Variant of Uncertain Significance.

NM_000321.3(RB1):c.202G>A (p.Asp68Asn)

Gene: RB1 (RB transcriptional corepressor 1; plus strand). Cytogenetic location: 13q14.2.
Variant type: single nucleotide variant.
Coding change: c.202G>A on transcript NM_000321.3 (MANE Select); coding-DNA position 202, G replaced by A.
Protein change: p.Asp68Asn; replaces aspartic acid 68 with asparagine.
Molecular consequence: missense variant.
Genome position (GRCh38, 1-based): chr13:48,307,344, G>A. VCF-style: chr13-48307344-G-A. GRCh37 (hg19) VCF-style: chr13-48881480-G-A.
Other names: c.202G>A, p.Asp68Asn (NM_001407165.1, NM_001407166.1, NM_001407167.1); short protein forms D68N.
Identifiers: ClinVar variation 1721428 (VCV001721428.5), dbSNP rs2138034185, ClinGen allele CA388250566.